The following is an entry in ClinVar:

NM_004360.5(CDH1):c.1038A>C (p.Gln346His)

Gene: CDH1 (cadherin 1; plus strand). Cytogenetic location: 16q22.1.
Variant type: single nucleotide variant.
Coding change: c.1038A>C on transcript NM_004360.5 (MANE Select); coding-DNA position 1038, A replaced by C.
Protein change: p.Gln346His; replaces glutamine 346 with histidine.
Molecular consequence: missense variant. On other transcripts: 5 prime UTR variant (2).
Genome position (GRCh38, 1-based): chr16:68,812,164, A>C. VCF-style: chr16-68812164-A-C. GRCh37 (hg19) VCF-style: chr16-68846067-A-C.
Other names: c.1038A>C, p.Gln346His (NM_001317184.2); c.-578A>C (NM_001317185.2); c.-782A>C (NM_001317186.2); short protein forms Q346H.
Identifiers: ClinVar variation 3265143 (VCV003265143.1).

ClinVar aggregate classification (germline): Uncertain significance (1 of 4 stars; one submission).

Conditions:
Hereditary cancer-predisposing syndrome. Also called: Hereditary Cancer Syndrome; Tumor predisposition; Hereditary neoplastic syndrome; Neoplastic Syndromes, Hereditary. Identifiers: Orphanet 140162, MedGen C0027672, MeSH D009386, MONDO:0015356.

Submission:

Ambry Genetics
Classification: Uncertain significance for Hereditary cancer-predisposing syndrome. Last evaluated: 2024-05-24. Review status: criteria provided, single submitter. Criteria: Ambry Variant Classification Scheme 2023. Collection method: clinical testing. Allele origin: germline.
Comment: The p.Q346H variant (also known as c.1038A>C), located in coding exon 8 of the CDH1 gene, results from an A to C substitution at nucleotide position 1038. The glutamine at codon 346 is replaced by histidine, an amino acid with highly similar properties. This amino acid position is not well conserved in available vertebrate species. In addition, this alteration is predicted to be tolerated by in silico analysis. Based on the available evidence, the clinical significance of this variant remains unclear.